The following is an entry in ClinVar:

NM_023110.3(FGFR1):c.2002G>A (p.Ala668Thr)

Gene: FGFR1 (fibroblast growth factor receptor 1; minus strand). Cytogenetic location: 8p11.23.
Variant type: single nucleotide variant.
Coding change: c.2002G>A on transcript NM_023110.3 (MANE Select); coding-DNA position 2002, G replaced by A.
Protein change: p.Ala668Thr; replaces alanine 668 with threonine.
Molecular consequence: missense variant.
Genome position (GRCh38, 1-based): chr8:38,414,605, C>T on the plus strand (G>A on the coding strand, the complement: FGFR1 is on the minus strand). VCF-style: chr8-38414605-C-T. GRCh37 (hg19) VCF-style: chr8-38272123-C-T.
Other names: c.1996G>A, p.Ala666Thr (NM_001174063.2, NM_001174065.2, NM_001354367.2 and 1 more transcripts); c.1972G>A, p.Ala658Thr (NM_001174064.2); c.1735G>A, p.Ala579Thr (NM_001174066.2, NM_023105.3); c.2095G>A, p.Ala699Thr (NM_001174067.2); c.1723G>A, p.Ala575Thr (NM_001354368.2); c.1990G>A, p.Ala664Thr (NM_001354369.2, NM_001410922.1); c.1729G>A, p.Ala577Thr (NM_001354370.2, NM_023106.3); short protein forms A575T, A577T, A579T, A658T, A664T, A666T, A668T, A699T.
Identifiers: ClinVar variation 3758316 (VCV003758316.2).
Genomic context (GRCh38, chr8:38,414,605, plus strand): 5'-TATTACAAACTCACACATCACTCTGGTGGGTGTAGATCCGGTCAAATAATGCCTCGGGTG[C>T]CATCCACTTCACAGGCAGTCGGCCCTGAAAGCAGCACAGGGGAGGTTGGAGTGGCCCCAG-3'
Protein context (NP_075598.2, residues 658-678): TNGRLPVKWM[Ala668Thr]PEALFDRIYT

ClinVar aggregate classification (germline): Uncertain significance (1 of 4 stars; one submission).

Conditions:
Pfeiffer syndrome (ACS5). Also called: ACS V. Identifiers: Orphanet 710, MedGen C0220658, MONDO:0007043, OMIM 101600.
Hypogonadotropic hypogonadism 2 with or without anosmia (HH2). Also called: FGFR1-Related GnRH Deficiency (Kallmann Syndrome 2); HYPOGONADOTROPIC HYPOGONADISM 2 WITHOUT ANOSMIA; HYPOGONADOTROPIC HYPOGONADISM 2 WITH OR WITHOUT ANOSMIA, SUSCEPTIBILITY TO; HYPOGONADOTROPIC HYPOGONADISM 2 WITHOUT ANOSMIA, SUSCEPTIBILITY TO. Identifiers: Orphanet 478, MedGen C1563720, MONDO:0007844, OMIM 147950. Disease mechanism: loss of function.

Submission:

Labcorp Genetics (formerly Invitae), Labcorp
Classification: Uncertain significance for Pfeiffer syndrome; Hypogonadotropic hypogonadism 2 with or without anosmia. Last evaluated: 2024-11-06. Review status: criteria provided, single submitter. Criteria: Invitae Variant Classification Sherloc (09022015). Collection method: clinical testing. Allele origin: germline.
Comment: This sequence change replaces alanine, which is neutral and non-polar, with threonine, which is neutral and polar, at codon 668 of the FGFR1 protein (p.Ala668Thr). This variant is not present in population databases (gnomAD no frequency). This variant has not been reported in the literature in individuals affected with FGFR1-related conditions. Invitae Evidence Modeling of protein sequence and biophysical properties (such as structural, functional, and spatial information, amino acid conservation, physicochemical variation, residue mobility, and thermodynamic stability) indicates that this missense variant is expected to disrupt FGFR1 protein function with a positive predictive value of 80%. In summary, the available evidence is currently insufficient to determine the role of this variant in disease. Therefore, it has been classified as a Variant of Uncertain Significance.